The following is an entry in ClinVar:

ClinVar aggregate classification (germline): Uncertain significance (1 of 4 stars; one submission).

Conditions:
Inborn genetic diseases. Identifiers: MedGen C0950123, MeSH D030342.

Submission:

Ambry Genetics
Classification: Uncertain significance for Inborn genetic diseases. Last evaluated: 2016-05-06. Review status: criteria provided, single submitter. Criteria: Ambry Variant Classification Scheme 2023. Collection method: clinical testing. Allele origin: germline.
Comment: The p.E1412G variant (also known as c.4235A>G), located in coding exon 16 of the KAT6A gene, results from an A to G substitution at nucleotide position 4235. The glutamic acid at codon 1412 is replaced by glycine, an amino acid with similar properties. This variant was not reported in population based cohorts in the following databases: Database of Single Nucleotide Polymorphisms (dbSNP), NHLBI Exome Sequencing Project (ESP), and 1000 Genomes Project. In the ESP, this variant was not observed in 6503 samples (13006 alleles) with coverage at this position. This amino acid position is well conserved in available vertebrate species. In addition, this alteration is predicted to be tolerated by in silico analysis. Since supporting evidence is limited at this time, the clinical significance of this alteration remains unclear.

NM_006766.5(KAT6A):c.4235A>G (p.Glu1412Gly)

Gene: KAT6A (lysine acetyltransferase 6A; minus strand). Cytogenetic location: 8p11.21.
Variant type: single nucleotide variant.
Coding change: c.4235A>G on transcript NM_006766.5 (MANE Select); coding-DNA position 4235, A replaced by G.
Protein change: p.Glu1412Gly; replaces glutamic acid 1412 with glycine.
Molecular consequence: missense variant.
Genome position (GRCh38, 1-based): chr8:41,933,985, T>C on the plus strand (A>G on the coding strand, the complement: KAT6A is on the minus strand). VCF-style: chr8-41933985-T-C. GRCh37 (hg19) VCF-style: chr8-41791503-T-C.
Other names: short protein forms E1412G.
Identifiers: ClinVar variation 587871 (VCV000587871.5), dbSNP rs1564004878, ClinGen allele CA371066489.